The following is an entry in ClinVar:

NC_000002.11:g.(?_189839196)_(189839314_?)dup

Gene: COL3A1 (collagen type III alpha 1 chain; plus strand). Cytogenetic location: 2q32.2.
Variant type: Duplication.
Identifiers: ClinVar variation 583627 (VCV000583627.4).

ClinVar aggregate classification (germline): Pathogenic (1 of 4 stars; one submission).

Conditions:
Ehlers-Danlos syndrome, type 4 (EDSVASC). Also called: Ehlers-Danlos syndrome vascular type; Ehlers Danlos syndrome, ecchymotic type; Ehlers Danlos syndrome, arterial type; Ehlers Danlos syndrome, Sack-Barabas type; Ehlers-Danlos Syndrome Type IV. Identifiers: Orphanet 286, MedGen C0268338, MONDO:0017314, OMIM 130050.

Submission:

Labcorp Genetics (formerly Invitae), Labcorp
Classification: Pathogenic for Ehlers-Danlos syndrome, type 4. Last evaluated: 2019-04-19. Review status: criteria provided, single submitter. Criteria: Invitae Variant Classification Sherloc (09022015). Collection method: clinical testing. Allele origin: germline.
Comment: For these reasons, this variant has been classified as Pathogenic. This variant results in a copy number gain of the genomic region encompassing exon 1 of the COL3A1 gene. The 5' end of this event is unknown as it extends beyond the assayed region for this gene and therefore may encompass additional genes. The 3' boundary is likely confined to intron 1 of the COL3A1 gene, which includes the initiator codon. As the precise location of this event is unknown, it may be in tandem or it may be located elsewhere in the genome.